The following is an entry in ClinVar:

ClinVar aggregate classification (germline): Benign/Likely benign. Review status: criteria provided, multiple submitters, no conflicts (2 of 4 stars). 3 submissions from 3 submitters: Benign (2); Likely benign (1). Last evaluated 2022-07-01.

Allele frequency attached by ClinVar (database versions not stated): 1000 Genomes Project 0.00419; 1000 Genomes Project 30x 0.00437; ExAC 0.00445; gnomAD 0.00462 and 0.00476; TOPMed 0.00472; gnomAD exomes 0.00490; ESP Exome Variant Server 0.00515.
gnomAD v4.1: 7,503 of 1,613,950 alleles (0.46%); highest among the groups gnomAD compares: Middle Eastern, 1.7%; 40 homozygotes.

Submissions (20):

CeGaT Center for Human Genetics Tuebingen
Classification: Likely benign. Last evaluated: 2022-07-01. Review status: criteria provided, single submitter. Criteria: CeGaT Center For Human Genetics Tuebingen Variant Classification Criteria Version 2. Collection method: clinical testing. Allele origin: germline. Affected: yes. Observed: 1 variant allele.
Comment: ARID3A: BP4, BP7, BS2

Labcorp Genetics (formerly Invitae), Labcorp
Classification: Benign. Last evaluated: 2017-07-10. Review status: criteria provided, single submitter. Criteria: Invitae Variant Classification Sherloc (09022015). Collection method: clinical testing. Allele origin: germline.

Breakthrough Genomics
Classification: Benign. Review status: criteria provided, single submitter. Criteria: ACMG Guidelines, 2015. Collection method: not provided. Allele origin: germline. Inheritance: Unknown mechanism. Affected: yes.

Dr. Peter K. Rogan Lab, Western University
No classification provided (evidence only). Condition: Lung cancer. Review status: no classification provided. Collection method: in vitro. Allele origin: not applicable. Functional consequence: retained intron. Not counted in ClinVar's aggregate classification.

Dr. Peter K. Rogan Lab, Western University
No classification provided (evidence only). Condition: Lung cancer. Review status: no classification provided. Collection method: in vitro. Allele origin: not applicable. Functional consequence: retained intron. Not counted in ClinVar's aggregate classification.

Dr. Peter K. Rogan Lab, Western University
No classification provided (evidence only). Condition: Colon adenocarcinoma. Review status: no classification provided. Collection method: in vitro. Allele origin: not applicable. Functional consequence: retained intron. Not counted in ClinVar's aggregate classification.

Dr. Peter K. Rogan Lab, Western University
No classification provided (evidence only). Condition: Thyroid cancer, nonmedullary, 1. Review status: no classification provided. Collection method: in vitro. Allele origin: not applicable. Functional consequence: retained intron. Not counted in ClinVar's aggregate classification.

Dr. Peter K. Rogan Lab, Western University
No classification provided (evidence only). Condition: Cervical cancer. Review status: no classification provided. Collection method: in vitro. Allele origin: not applicable. Functional consequence: retained intron. Not counted in ClinVar's aggregate classification.

Dr. Peter K. Rogan Lab, Western University
No classification provided (evidence only). Condition: Cervical cancer. Review status: no classification provided. Collection method: in vitro. Allele origin: not applicable. Functional consequence: retained intron. Not counted in ClinVar's aggregate classification.

Dr. Peter K. Rogan Lab, Western University
No classification provided (evidence only). Condition: Sarcoma. Review status: no classification provided. Collection method: in vitro. Allele origin: not applicable. Functional consequence: retained intron. Not counted in ClinVar's aggregate classification.

Dr. Peter K. Rogan Lab, Western University
No classification provided (evidence only). Condition: Hepatocellular carcinoma. Review status: no classification provided. Collection method: in vitro. Allele origin: not applicable. Functional consequence: retained intron. Not counted in ClinVar's aggregate classification.

Dr. Peter K. Rogan Lab, Western University
No classification provided (evidence only). Condition: Ovarian serous cystadenocarcinoma. Review status: no classification provided. Collection method: in vitro. Allele origin: not applicable. Functional consequence: retained intron. Not counted in ClinVar's aggregate classification.

Dr. Peter K. Rogan Lab, Western University
No classification provided (evidence only). Condition: Ovarian serous cystadenocarcinoma. Review status: no classification provided. Collection method: in vitro. Allele origin: not applicable. Functional consequence: retained intron. Not counted in ClinVar's aggregate classification.

Dr. Peter K. Rogan Lab, Western University
No classification provided (evidence only). Condition: Ovarian serous cystadenocarcinoma. Review status: no classification provided. Collection method: in vitro. Allele origin: not applicable. Functional consequence: retained intron. Not counted in ClinVar's aggregate classification.

Dr. Peter K. Rogan Lab, Western University
No classification provided (evidence only). Condition: Ovarian serous cystadenocarcinoma. Review status: no classification provided. Collection method: in vitro. Allele origin: not applicable. Functional consequence: retained intron. Not counted in ClinVar's aggregate classification.

Dr. Peter K. Rogan Lab, Western University
No classification provided (evidence only). Condition: Ovarian serous cystadenocarcinoma. Review status: no classification provided. Collection method: in vitro. Allele origin: not applicable. Functional consequence: retained intron. Not counted in ClinVar's aggregate classification.

Dr. Peter K. Rogan Lab, Western University
No classification provided (evidence only). Condition: Gastric cancer. Review status: no classification provided. Collection method: in vitro. Allele origin: not applicable. Functional consequence: retained intron. Not counted in ClinVar's aggregate classification.

Dr. Peter K. Rogan Lab, Western University
No classification provided (evidence only). Condition: Adrenocortical carcinoma, hereditary. Review status: no classification provided. Collection method: in vitro. Allele origin: not applicable. Functional consequence: retained intron. Not counted in ClinVar's aggregate classification.

Dr. Peter K. Rogan Lab, Western University
No classification provided (evidence only). Condition: Uterine carcinosarcoma. Review status: no classification provided. Collection method: in vitro. Allele origin: not applicable. Functional consequence: retained intron. Not counted in ClinVar's aggregate classification.

Dr. Peter K. Rogan Lab, Western University
No classification provided (evidence only). Condition: Uveal melanoma. Review status: no classification provided. Collection method: in vitro. Allele origin: not applicable. Functional consequence: retained intron. Not counted in ClinVar's aggregate classification.

NM_005224.3(ARID3A):c.1566G>A (p.Ser522=)

Gene: ARID3A (AT-rich interaction domain 3A; plus strand). Cytogenetic location: 19p13.3.
Variant type: single nucleotide variant.
Coding change: c.1566G>A on transcript NM_005224.3 (MANE Select); coding-DNA position 1566, G replaced by A.
Protein change: p.Ser522=; no amino-acid change (serine 522 retained).
Molecular consequence: synonymous variant.
Genome position (GRCh38, 1-based): chr19:968,475, G>A. VCF-style: chr19-968475-G-A. GRCh37 (hg19) VCF-style: chr19-968475-G-A.
Other names: NC_000019.9:g.968475G>A.
Identifiers: ClinVar variation 784382 (VCV000784382.29), dbSNP rs146132253, ClinGen allele CA9029371.